The following is an entry in ClinVar:

NM_015047.3(EMC1):c.2672+1G>T

Genes: EMC1 (ER membrane protein complex subunit 1; minus strand), EMC1-AS1 (EMC1 antisense RNA 1; plus strand). Cytogenetic location: 1p36.13.
Variant type: single nucleotide variant.
Coding change: c.2672+1G>T on transcript NM_015047.3 (MANE Select); the canonical splice donor site of the intron after coding-DNA position 2672, G replaced by T.
Molecular consequence: splice donor variant.
Genome position (GRCh38, 1-based): chr1:19,220,763, C>A on the plus strand (G>T on the coding strand, the complement: EMC1 is on the minus strand). VCF-style: chr1-19220763-C-A. GRCh37 (hg19) VCF-style: chr1-19547257-C-A.
Other names: c.2606+1G>T (NM_001271429.2); c.2669+1G>T (NM_001271427.2, NM_001271428.2); c.2678+1G>T (NM_001375821.1); c.2681+1G>T (NM_001375820.1).
Identifiers: ClinVar variation 4715016 (VCV004715016.1).

ClinVar aggregate classification (germline): Likely pathogenic (1 of 4 stars; one submission).

Submission:

Labcorp Genetics (formerly Invitae), Labcorp
Classification: Likely pathogenic. Last evaluated: 2025-03-12. Review status: criteria provided, single submitter. Criteria: Invitae Variant Classification Sherloc (09022015). Collection method: clinical testing. Allele origin: germline.
Comment: This sequence change affects a donor splice site in intron 21 of the EMC1 gene. It is expected to disrupt RNA splicing. Variants that disrupt the donor or acceptor splice site typically lead to a loss of protein function (PMID: 16199547), and loss-of-function variants in EMC1 are known to be pathogenic (PMID: 26572623, 26942288, 29271071). This variant is not present in population databases (gnomAD no frequency). This variant has not been reported in the literature in individuals affected with EMC1-related conditions. Algorithms developed to predict the effect of sequence changes on RNA splicing suggest that this variant may disrupt the consensus splice site. In summary, the currently available evidence indicates that the variant is pathogenic, but additional data are needed to prove that conclusively. Therefore, this variant has been classified as Likely Pathogenic.

Literature cited by the submitters: PubMed 16199547; PubMed 26572623; PubMed 26942288; PubMed 29271071.